The following is an entry in ClinVar:

NM_004304.5(ALK):c.591A>T (p.Glu197Asp)

Gene: ALK (ALK receptor tyrosine kinase; minus strand). Cytogenetic location: 2p23.1.
Variant type: single nucleotide variant.
Coding change: c.591A>T on transcript NM_004304.5 (MANE Select); coding-DNA position 591, A replaced by T.
Protein change: p.Glu197Asp; replaces glutamic acid 197 with aspartic acid.
Molecular consequence: missense variant.
Genome position (GRCh38, 1-based): chr2:29,920,069, T>A on the plus strand (A>T on the coding strand, the complement: ALK is on the minus strand). VCF-style: chr2-29920069-T-A. GRCh37 (hg19) VCF-style: chr2-30142935-T-A.
Other names: short protein forms E197D.
Identifiers: ClinVar variation 2861581 (VCV002861581.3), dbSNP rs2465865156, ClinGen allele CA346589730.

ClinVar aggregate classification (germline): Uncertain significance (1 of 4 stars; one submission).

Conditions:
Neuroblastoma, susceptibility to, 3. Also called: ALK-Related Neuroblastic Tumor Susceptibility. Identifiers: Orphanet 635, MedGen C2751681, MONDO:0013083, OMIM 613014.

Submission:

Labcorp Genetics (formerly Invitae), Labcorp
Classification: Uncertain significance for Neuroblastoma, susceptibility to, 3. Last evaluated: 2023-05-02. Review status: criteria provided, single submitter. Criteria: Invitae Variant Classification Sherloc (09022015). Collection method: clinical testing. Allele origin: germline.
Comment: This sequence change replaces glutamic acid, which is acidic and polar, with aspartic acid, which is acidic and polar, at codon 197 of the ALK protein (p.Glu197Asp). This variant is not present in population databases (gnomAD no frequency). This variant has not been reported in the literature in individuals affected with ALK-related conditions. An algorithm developed to predict the effect of missense changes on protein structure and function (PolyPhen-2) suggests that this variant is likely to be tolerated. In summary, the available evidence is currently insufficient to determine the role of this variant in disease. Therefore, it has been classified as a Variant of Uncertain Significance.